The following is an entry in ClinVar:

ClinVar aggregate classification (germline): Uncertain significance. Review status: criteria provided, multiple submitters, no conflicts (2 of 4 stars). 2 submissions from 2 submitters: Uncertain significance (2). Last evaluated 2025-12-01.

Conditions:
Intellectual developmental disorder, autosomal dominant 6, with or without seizures. Also called: GRIN2B-related developmental delay, intellectual disability and autism spectrum disorder; Intellectual disability, autosomal dominant 6. Identifiers: Orphanet 589547, MedGen C3151411, MONDO:0013509, OMIM 613970.
Developmental and epileptic encephalopathy, 27 (DEE27). Also called: Epileptic encephalopathy, early infantile, 27; GRIN2B-Related Neurodevelopmental Disorder. Identifiers: Orphanet 3451, MedGen C4015316, MONDO:0014505, OMIM 616139.

Allele frequency attached by ClinVar (database versions not stated): TOPMed below 0.00001.

Submissions (2):

CeGaT Center for Human Genetics Tuebingen
Classification: Uncertain significance. Last evaluated: 2025-12-01. Review status: criteria provided, single submitter. Criteria: CeGaT Center For Human Genetics Tuebingen Variant Classification Criteria Version 2. Collection method: clinical testing. Allele origin: germline. Affected: yes. Observed: 1 variant allele.
Comment: GRIN2B: PM2

Labcorp Genetics (formerly Invitae), Labcorp
Classification: Uncertain significance for Developmental and epileptic encephalopathy, 27; Intellectual developmental disorder, autosomal dominant 6, with or without seizures. Last evaluated: 2024-10-30. Review status: criteria provided, single submitter. Criteria: Invitae Variant Classification Sherloc (09022015). Collection method: clinical testing. Allele origin: germline.
Comment: This sequence change replaces arginine, which is basic and polar, with histidine, which is basic and polar, at codon 1299 of the GRIN2B protein (p.Arg1299His). This variant is not present in population databases (gnomAD no frequency). This variant has not been reported in the literature in individuals affected with GRIN2B-related conditions. ClinVar contains an entry for this variant (Variation ID: 2928419). Invitae Evidence Modeling of protein sequence and biophysical properties (such as structural, functional, and spatial information, amino acid conservation, physicochemical variation, residue mobility, and thermodynamic stability) indicates that this missense variant is not expected to disrupt GRIN2B protein function with a negative predictive value of 95%. In summary, the available evidence is currently insufficient to determine the role of this variant in disease. Therefore, it has been classified as a Variant of Uncertain Significance.

NM_000834.5(GRIN2B):c.3896G>A (p.Arg1299His)

Gene: GRIN2B (glutamate ionotropic receptor NMDA type subunit 2B; minus strand). Cytogenetic location: 12p13.1.
Variant type: single nucleotide variant.
Coding change: c.3896G>A on transcript NM_000834.5 (MANE Select); coding-DNA position 3896, G replaced by A.
Protein change: p.Arg1299His; replaces arginine 1299 with histidine.
Molecular consequence: missense variant.
Genome position (GRCh38, 1-based): chr12:13,563,342, C>T on the plus strand (G>A on the coding strand, the complement: GRIN2B is on the minus strand). VCF-style: chr12-13563342-C-T. GRCh37 (hg19) VCF-style: chr12-13716276-C-T.
Other names: c.3896G>A, p.Arg1299His (NM_001413992.1); short protein forms R1299H.
Identifiers: ClinVar variation 2928419 (VCV002928419.8), dbSNP rs767709649, ClinGen allele CA383987269.